The following is an entry in ClinVar:

ClinVar aggregate classification (germline): Uncertain significance (1 of 4 stars; one submission).

gnomAD v4.1: 1 of 1,612,776 alleles (0.000062%); highest among the groups gnomAD compares: Non-Finnish European, 0.000085%; no homozygotes.

Submission:

GeneDx
Classification: Uncertain significance. Last evaluated: 2023-07-03. Review status: criteria provided, single submitter. Criteria: GeneDx Variant Classification Process June 2021. Collection method: clinical testing. Allele origin: germline. Affected: yes.
Comment: Not observed at significant frequency in large population cohorts (gnomAD); In silico analysis supports that this missense variant has a deleterious effect on protein structure/function; Has not been previously published as pathogenic or benign to our knowledge

NM_001273.5(CHD4):c.4667C>G (p.Pro1556Arg)

Genes: CHD4 (chromodomain helicase DNA binding protein 4; minus strand), CHD4-AS1 (CHD4 antisense RNA 1; plus strand). Cytogenetic location: 12p13.31.
Variant type: single nucleotide variant.
Coding change: c.4667C>G on transcript NM_001273.5 (MANE Select); coding-DNA position 4667, C replaced by G.
Protein change: p.Pro1556Arg; replaces proline 1556 with arginine.
Molecular consequence: missense variant.
Genome position (GRCh38, 1-based): chr12:6,581,663, G>C on the plus strand (C>G on the coding strand, the complement: CHD4 is on the minus strand). VCF-style: chr12-6581663-G-C. GRCh37 (hg19) VCF-style: chr12-6690829-G-C.
Other names: c.4646C>G, p.Pro1549Arg (NM_001297553.2); c.4628C>G, p.Pro1543Arg (NM_001363606.2); short protein forms P1543R, P1549R, P1556R.
Identifiers: ClinVar variation 3360632 (VCV003360632.1).
Genomic context (GRCh38, chr12:6,581,663, plus strand): 5'-AGGACAAAAAGAGAGGGACAGAAAATGATAGGACAGGCAGACTTACCAGCAGGTGGGACA[G>C]GTGCAGGAGTGTTGGGCTGCGTGTCCCCTGGAGTGGAGGGTGTAGGAGTTTTTGGGGAGG-3'
Protein context (NP_001264.2, residues 1546-1566): PGDTQPNTPA[Pro1556Arg]VPPAEDGIKI